The following is an entry in ClinVar:

ClinVar aggregate classification (germline): Benign (1 of 4 stars; one submission).

Conditions:
Neuroblastoma (NB). Identifiers: Orphanet 635, MedGen C0027819, MeSH D009447, MONDO:0005072, HP:0003006.

Allele frequency attached by ClinVar (database versions not stated): gnomAD 0.03534 and 0.03549; TOPMed 0.03593; gnomAD exomes 0.03654; 1000 Genomes Project 0.04133; 1000 Genomes Project 30x 0.04169.
gnomAD v4.1: 7,964 of 222,434 alleles (3.6%); highest among the groups gnomAD compares: Middle Eastern, 9.5%; 185 homozygotes.

Submission:

Illumina Laboratory Services, Illumina
Classification: Benign for Neuroblastoma. Last evaluated: 2018-01-12. Review status: criteria provided, single submitter. Criteria: ICSL Variant Classification Criteria 13 December 2019. Collection method: clinical testing. Allele origin: germline.
Comment: This variant was observed in the ICSL laboratory as part of a predisposition screen in an ostensibly healthy population. It had not been previously curated by ICSL or reported in the Human Gene Mutation Database (HGMD: prior to June 1st, 2018), and was therefore a candidate for classification through an automated scoring system. Utilizing variant allele frequency, disease prevalence and penetrance estimates, and inheritance mode, an automated score was calculated to assess if this variant is too frequent to cause the disease. Based on the score and internal cut-off values, a variant classified as benign is not then subjected to further curation. The score for this variant resulted in a classification of benign for this disease.

NM_001365951.3(KIF1B):c.*4392A>G

Gene: KIF1B (kinesin family member 1B; plus strand). Cytogenetic location: 1p36.22.
Variant type: single nucleotide variant.
Coding change: c.*4392A>G on transcript NM_001365951.3 (MANE Select); 4392 bases downstream of the stop codon, A replaced by G.
Molecular consequence: 3 prime UTR variant.
Genome position (GRCh38, 1-based): chr1:10,380,979, A>G. VCF-style: chr1-10380979-A-G. GRCh37 (hg19) VCF-style: chr1-10441037-A-G.
Other names: c.*4392A>G (NM_001365952.1, NM_015074.3).
Identifiers: ClinVar variation 291663 (VCV000291663.5), dbSNP rs72867441, ClinGen allele CA10607325.